The following is an entry in ClinVar:

NM_022168.4(IFIH1):c.868G>C (p.Asp290His)

Gene: IFIH1 (interferon induced with helicase C domain 1; minus strand). Cytogenetic location: 2q24.2.
Variant type: single nucleotide variant.
Coding change: c.868G>C on transcript NM_022168.4 (MANE Select); coding-DNA position 868, G replaced by C.
Protein change: p.Asp290His; replaces aspartic acid 290 with histidine.
Molecular consequence: missense variant.
Genome position (GRCh38, 1-based): chr2:162,293,570, C>G on the plus strand (G>C on the coding strand, the complement: IFIH1 is on the minus strand). VCF-style: chr2-162293570-C-G. GRCh37 (hg19) VCF-style: chr2-163150080-C-G.
Other names: short protein forms D290H.
Identifiers: ClinVar variation 5017692 (VCV005017692.1).

ClinVar aggregate classification (germline): Uncertain significance (1 of 4 stars; one submission).

Submission:

GeneDx
Classification: Uncertain significance. Last evaluated: 2026-03-29. Review status: criteria provided, single submitter. Criteria: GeneDx Variant Classification Process June 2021. Collection method: clinical testing. Allele origin: germline.
Comment: Not observed at significant frequency in large population cohorts (gnomAD); In silico analysis suggests that this missense variant does not alter protein structure/function; Has not been previously published as pathogenic or benign to our knowledge